The following is an entry in ClinVar:

ClinVar aggregate classification (germline): Uncertain significance (1 of 4 stars; one submission).

Conditions:
Gorlin syndrome. Also called: Nevoid Basal Cell Carcinoma Syndrome; Basal cell nevus syndrome. Identifiers: Orphanet 377, MedGen C0004779, MONDO:0007187.

Submission:

Labcorp Genetics (formerly Invitae), Labcorp
Classification: Uncertain significance for Gorlin syndrome. Last evaluated: 2020-08-04. Review status: criteria provided, single submitter. Criteria: Invitae Variant Classification Sherloc (09022015). Collection method: clinical testing. Allele origin: germline.
Comment: Advanced modeling of protein sequence and biophysical properties (such as structural, functional, and spatial information, amino acid conservation, physicochemical variation, residue mobility, and thermodynamic stability) performed at Invitae indicates that this missense variant is not expected to disrupt PTCH1 protein function. This variant has not been reported in the literature in individuals with PTCH1-related conditions. This variant is not present in population databases (ExAC no frequency). This sequence change replaces histidine with leucine at codon 1347 of the PTCH1 protein (p.His1347Leu). The histidine residue is weakly conserved and there is a moderate physicochemical difference between histidine and leucine. In summary, the available evidence is currently insufficient to determine the role of this variant in disease. Therefore, it has been classified as a Variant of Uncertain Significance.

NM_000264.5(PTCH1):c.4040A>T (p.His1347Leu)

Gene: PTCH1 (patched 1; minus strand). Cytogenetic location: 9q22.32.
Variant type: single nucleotide variant.
Coding change: c.4040A>T on transcript NM_000264.5 (MANE Select); coding-DNA position 4040, A replaced by T.
Protein change: p.His1347Leu; replaces histidine 1347 with leucine.
Molecular consequence: missense variant. On other transcripts: non-coding transcript variant (1).
Genome position (GRCh38, 1-based): chr9:95,447,216, T>A on the plus strand (A>T on the coding strand, the complement: PTCH1 is on the minus strand). VCF-style: chr9-95447216-T-A. GRCh37 (hg19) VCF-style: chr9-98209498-T-A.
Other names: c.3842A>T, p.His1281Leu (NM_001083602.3); c.4037A>T, p.His1346Leu (NM_001083603.3); c.3587A>T, p.His1196Leu (NM_001083604.3, NM_001083605.3, NM_001083606.3 and 1 more transcripts); c.3884A>T, p.His1295Leu (NM_001354918.2); short protein forms H1196L, H1281L, H1295L, H1346L, H1347L.
Identifiers: ClinVar variation 1055162 (VCV001055162.9), dbSNP rs2136578408, ClinGen allele CA374110432.